The following is an entry in ClinVar:

ClinVar aggregate classification (germline): Uncertain significance (0 of 4 stars; one submission).

Conditions:
RAB23-related disorder. Also called: RAB23-related condition.

Allele frequency attached by ClinVar (database versions not stated): gnomAD exomes 0.00005.
gnomAD v4.1: 67 of 1,614,128 alleles (0.0042%); highest among the groups gnomAD compares: South Asian, 0.012%; no homozygotes.

Submission:

PreventionGenetics, part of Exact Sciences
Classification: Uncertain significance for RAB23-related condition. Last evaluated: 2024-05-24. Review status: no assertion criteria provided. Collection method: clinical testing. Allele origin: germline.
Comment: The RAB23 c.17T>C variant is predicted to result in the amino acid substitution p.Met6Thr. To our knowledge, this variant has not been reported in the literature. This variant is reported in 0.016% of alleles in individuals of South Asian descent in gnomAD. At this time, the clinical significance of this variant is uncertain due to the absence of conclusive functional and genetic evidence.

NM_016277.5(RAB23):c.17T>C (p.Met6Thr)

Gene: RAB23 (RAB23, member RAS oncogene family; minus strand). Cytogenetic location: 6p11.2.
Variant type: single nucleotide variant.
Coding change: c.17T>C on transcript NM_016277.5 (MANE Select); coding-DNA position 17, T replaced by C.
Protein change: p.Met6Thr; replaces methionine 6 with threonine.
Molecular consequence: missense variant. On other transcripts: non-coding transcript variant (1).
Genome position (GRCh38, 1-based): chr6:57,210,364, A>G on the plus strand (T>C on the coding strand, the complement: RAB23 is on the minus strand). VCF-style: chr6-57210364-A-G. GRCh37 (hg19) VCF-style: chr6-57075162-A-G.
Other names: c.17T>C, p.Met6Thr (NM_001278666.2, NM_001278667.2, NM_001278668.2 and 1 more transcripts); short protein forms M6T.
Identifiers: ClinVar variation 2630705 (VCV002630705.2), dbSNP rs757383592, ClinGen allele CA3873937.